The following is an entry in ClinVar:

ClinVar aggregate classification (germline): Likely benign (1 of 4 stars; one submission).

Submission:

CeGaT Center for Human Genetics Tuebingen
Classification: Likely benign. Last evaluated: 2023-09-01. Review status: criteria provided, single submitter. Criteria: CeGaT Center For Human Genetics Tuebingen Variant Classification Criteria Version 2. Collection method: clinical testing. Allele origin: germline. Affected: yes. Observed: 1 variant allele.
Comment: UBE3B: PM2:Supporting, BP4, BP7

NM_130466.4(UBE3B):c.2775T>G (p.Ser925=)

Gene: UBE3B (ubiquitin protein ligase E3B; plus strand). Cytogenetic location: 12q24.11.
Variant type: single nucleotide variant.
Coding change: c.2775T>G on transcript NM_130466.4 (MANE Select); coding-DNA position 2775, T replaced by G.
Protein change: p.Ser925=; no amino-acid change (serine 925 retained).
Molecular consequence: synonymous variant.
Genome position (GRCh38, 1-based): chr12:109,530,037, T>G. VCF-style: chr12-109530037-T-G. GRCh37 (hg19) VCF-style: chr12-109967842-T-G.
Other names: c.2775T>G, p.Ser925= (NM_183415.3).
Identifiers: ClinVar variation 2643276 (VCV002643276.24), dbSNP rs2548575570, ClinGen allele CA481717262.